The following is an entry in ClinVar:

NM_001048174.2(MUTYH):c.920A>G (p.Asn307Ser)

Gene: MUTYH (mutY DNA glycosylase; minus strand). Cytogenetic location: 1p34.1.
Variant type: single nucleotide variant.
Coding change: c.920A>G on transcript NM_001048174.2 (MANE Select); coding-DNA position 920, A replaced by G.
Protein change: p.Asn307Ser; replaces asparagine 307 with serine.
Molecular consequence: missense variant. On other transcripts: non-coding transcript variant (2).
Genome position (GRCh38, 1-based): chr1:45,331,843, T>C on the plus strand (A>G on the coding strand, the complement: MUTYH is on the minus strand). VCF-style: chr1-45331843-T-C. GRCh37 (hg19) VCF-style: chr1-45797515-T-C.
Other names: c.920A>G, p.Asn307Ser (NM_001048171.2, NM_001048173.2, NM_001293195.2); c.923A>G, p.Asn308Ser (NM_001048172.2); c.1004A>G, p.Asn335Ser (NM_001128425.2); c.965A>G, p.Asn322Ser (NM_001293190.2); c.953A>G, p.Asn318Ser (NM_001293191.2); c.644A>G, p.Asn215Ser (NM_001293192.2, NM_001293196.2); c.575A>G, p.Asn192Ser (NM_001350650.2, NM_001350651.2); c.995A>G, p.Asn332Ser (NM_012222.3); short protein forms N335S, N215S, N307S, N308S, N322S, N318S, N192S, N332S.
Identifiers: ClinVar variation 230503 (VCV000230503.22), dbSNP rs765808018, ClinGen allele CA060122.
Genomic context (GRCh38, chr1:45,331,843, plus strand): 5'-ACTCCCAGGGTCTGGTCCCAGGGCTCCGAGGGAGGCAGGCACAGGTGGCACTGTCCAGTG[T>C]TGGGAGCTGGGAACGGAGATCCCCGAACCCTACTCAAGCCAAGAGGGCTTTAGGGGCCAA-3'
Protein context (NP_001041639.1, residues 297-317): GSPDVEECAP[Asn307Ser]TGQCHLCLPP

ClinVar aggregate classification (germline): Conflicting classifications of pathogenicity. Review status: criteria provided, conflicting classifications (1 of 4 stars). 5 submissions from 5 submitters: Uncertain significance (4); Likely benign (1). Last evaluated 2025-08-19.

Conditions:
Hereditary cancer-predisposing syndrome. Also called: Tumor predisposition; Hereditary Cancer Syndrome; Neoplastic Syndromes, Hereditary; Hereditary neoplastic syndrome. Identifiers: Orphanet 140162, MedGen C0027672, MeSH D009386, MONDO:0015356.
Familial adenomatous polyposis 2. Also called: MYH-associated polyposis; FAP type 2; ADENOMAS, MULTIPLE COLORECTAL, AUTOSOMAL RECESSIVE; MUTYH Polyposis; MUTYH-associated polyposis; MUTYH-related attenuated familial adenomatous polyposis. Identifiers: Orphanet 220460, Orphanet 247798, MedGen C3272841, MONDO:0012041, OMIM 608456.

Allele frequency attached by ClinVar (database versions not stated): gnomAD exomes below 0.00001 and 0.00001; TOPMed below 0.00001; ExAC 0.00001.
gnomAD v4.1: 7 of 1,603,076 alleles (0.00044%); highest among the groups gnomAD compares: Middle Eastern, 0.017%; no homozygotes.

Submissions (5):

Color Diagnostics, LLC DBA Color Health
Classification: Uncertain significance for Hereditary cancer-predisposing syndrome. Last evaluated: 2025-08-19. Review status: criteria provided, single submitter. Criteria: ACMG Guidelines, 2015. Collection method: clinical testing. Allele origin: germline.
Comment: This missense variant replaces asparagine with serine at codon 335 of the MUTYH protein. Computational prediction suggests that this variant may not impact protein structure and function. To our knowledge, functional studies have not been reported for this variant. In a large international case-control study, this variant was reported in 1/60466 breast cancer cases and 3/53461 unaffected controls (OR=0.295, 95%CI 0.031 to 2.833, p-value=0.347PMID: 33471991). This variant has been identified in 1/230582 chromosomes in the general population by the Genome Aggregation Database (gnomAD). The available evidence is insufficient to determine the role of this variant in disease conclusively. Therefore, this variant is classified as a Variant of Uncertain Significance.

Labcorp Genetics (formerly Invitae), Labcorp
Classification: Uncertain significance for Familial adenomatous polyposis 2. Last evaluated: 2025-07-21. Review status: criteria provided, single submitter. Criteria: Invitae Variant Classification Sherloc (09022015). Collection method: clinical testing. Allele origin: germline.
Comment: This sequence change replaces asparagine, which is neutral and polar, with serine, which is neutral and polar, at codon 335 of the MUTYH protein (p.Asn335Ser). The frequency data for this variant in the population databases is considered unreliable, as metrics indicate poor data quality at this position in the gnomAD database. This variant has not been reported in the literature in individuals affected with MUTYH-related conditions. ClinVar contains an entry for this variant (Variation ID: 230503). An algorithm developed to predict the effect of missense changes on protein structure and function outputs the following: PolyPhen-2: "Benign". The serine amino acid residue is found in multiple mammalian species, which suggests that this missense change does not adversely affect protein function. In summary, the available evidence is currently insufficient to determine the role of this variant in disease. Therefore, it has been classified as a Variant of Uncertain Significance.

All of Us Research Program, National Institutes of Health
Classification: Uncertain significance for Familial adenomatous polyposis 2. Last evaluated: 2024-08-30. Review status: criteria provided, single submitter. Criteria: ACMG Guidelines, 2015. Collection method: clinical testing. Allele origin: germline. Inheritance: Autosomal recessive inheritance. Observed: 6 variant alleles, 6 heterozygotes.
Comment: This missense variant replaces asparagine with serine at codon 335 of the MUTYH protein. Computational prediction suggests that this variant may not impact protein structure and function (internally defined REVEL score threshold <= 0.5, PMID: 27666373). To our knowledge, functional studies have not been reported for this variant. In a large international case-control study, this variant was reported in 1/60466 breast cancer cases and 3/53461 unaffected controls (OR=0.295, 95%CI 0.031 to 2.833, p-value=0.347; PMID: 33471991). This variant has been identified in 1/230582 chromosomes in the general population by the Genome Aggregation Database (gnomAD). The available evidence is insufficient to determine the role of this variant in disease conclusively. Therefore, this variant is classified as a Variant of Uncertain Significance.

This study involves interpretation of variants in research participants for the purpose of population health screening. Participant phenotype was not available at the time of variant classification. Additional details can be found in publication PMID: 35346344, PMCID: PMC8962531

Ambry Genetics
Classification: Likely benign for Hereditary cancer-predisposing syndrome. Last evaluated: 2023-11-17. Review status: criteria provided, single submitter. Criteria: Ambry Variant Classification Scheme 2023. Collection method: clinical testing. Allele origin: germline.

GeneDx
Classification: Uncertain significance. Last evaluated: 2020-12-24. Review status: criteria provided, single submitter. Criteria: GeneDx Variant Classification Process June 2021. Collection method: clinical testing. Allele origin: germline. Affected: yes.
Comment: Not observed at a significant frequency in large population cohorts (Lek 2016); In silico analysis supports that this missense variant does not alter protein structure/function; Has not been previously published as pathogenic or benign to our knowledge

Literature cited by the submitters: PubMed 33471991 (cited by All of Us Research Program, National Institutes of Health).